The following is an entry in ClinVar:

NM_001458.5(FLNC):c.5843-6C>G

Genes: FLNC (filamin C; plus strand), FLNC-AS1 (FLNC antisense RNA 1; minus strand). Cytogenetic location: 7q32.1.
Variant type: single nucleotide variant.
Coding change: c.5843-6C>G on transcript NM_001458.5 (MANE Select); 6 bases into the intron before coding-DNA position 5843, C replaced by G.
Molecular consequence: intron variant.
Genome position (GRCh38, 1-based): chr7:128,852,585, C>G. VCF-style: chr7-128852585-C-G. GRCh37 (hg19) VCF-style: chr7-128492639-C-G.
Other names: p.?; c.5744-6C>G (NM_001127487.2).
Identifiers: ClinVar variation 744963 (VCV000744963.15), dbSNP rs370264663, ClinGen allele CA4475822.
Genomic context (GRCh38, chr7:128,852,585, plus strand): 5'-CTGAGCCCTGTGAGGGCAGGGCCTGCCTGGAGTCATAGCAGCCTGATGCCCCAACTCCCC[C>G]ACCAGGTGATGACTCCATGAGGACCTCACAGCTGAATGTGGGCACCTCCACGGACGTGTC-3'

ClinVar aggregate classification (germline): Benign/Likely benign. Review status: criteria provided, multiple submitters, no conflicts (2 of 4 stars). 5 submissions from 5 submitters: Benign (2); Likely benign (3). Last evaluated 2026-06-08.

Conditions:
FLNC-related disorder. Also called: FLNC-related condition; FLNC-related disorders.
Hypertrophic cardiomyopathy 26. Also called: Cardiomyopathy, familial hypertrophic, 26. Identifiers: Orphanet 75249, MedGen C4310749, MONDO:0014883, OMIM 617047.
Distal myopathy with posterior leg and anterior hand involvement. Also called: WILLIAMS DISTAL MYOPATHY. Identifiers: Orphanet 63273, MedGen C3279722, MONDO:0013550, OMIM 614065.
Myofibrillar myopathy 5. Also called: Filaminopathy (type); FILAMINOPATHY, AUTOSOMAL DOMINANT. Identifiers: Orphanet 171445, MedGen C1836050, MONDO:0012289, OMIM 609524.

Allele frequency attached by ClinVar (database versions not stated): ExAC 0.00010; gnomAD exomes 0.00011; ESP Exome Variant Server 0.00016; 1000 Genomes Project 30x 0.00031; TOPMed 0.00032; 1000 Genomes Project 0.00040; gnomAD 0.00035 and 0.00036.
gnomAD v4.1: 119 of 1,613,266 alleles (0.0074%); highest among the groups gnomAD compares: African/African-American, 0.11%; no homozygotes.

Submissions (5):

PreventionGenetics, part of Exact Sciences
Classification: Likely benign for FLNC-related condition. Last evaluated: 2026-06-08. Review status: criteria provided, single submitter. Criteria: ACMG Guidelines, 2015. Collection method: clinical testing. Allele origin: germline.
Comment: This variant is classified as likely benign based on ACMG/AMP sequence variant interpretation guidelines (Richards et al. 2015 PMID: 25741868, with internal and published modifications).

Labcorp Genetics (formerly Invitae), Labcorp
Classification: Benign for Distal myopathy with posterior leg and anterior hand involvement; Myofibrillar myopathy 5; Hypertrophic cardiomyopathy 26. Last evaluated: 2026-01-12. Review status: criteria provided, single submitter. Criteria: Invitae Variant Classification Sherloc (09022015). Collection method: clinical testing. Allele origin: germline.

Mayo Clinic Laboratories, Mayo Clinic
Classification: Likely benign. Last evaluated: 2025-06-13. Review status: criteria provided, single submitter. Criteria: ACMG Guidelines, 2015. Collection method: clinical testing. Allele origin: germline. Observed: 1 variant allele.
Comment: BP4, BP7

Women's Health and Genetics/Laboratory Corporation of America, LabCorp
Classification: Benign. Last evaluated: 2025-02-13. Review status: criteria provided, single submitter. Criteria: LabCorp Variant Classification Summary - May 2015. Collection method: clinical testing. Allele origin: germline.

Blueprint Genetics
Classification: Likely benign. Last evaluated: 2018-06-13. Review status: criteria provided, single submitter. Criteria: ACMG Guidelines, 2015. Collection method: clinical testing. Allele origin: germline.